The following is an entry in ClinVar:

ClinVar aggregate classification (germline): Uncertain significance (1 of 4 stars; one submission).

Conditions:
Hereditary spastic paraplegia 49 (HSAN9). Also called: TECPR2-Related Hereditary Sensory and Autonomic Neuropathy with Intellectual Disability; Spastic paraplegia 49, autosomal recessive; NEUROPATHY, HEREDITARY SENSORY AND AUTONOMIC, TYPE IX, WITH DEVELOPMENTAL DELAY. Identifiers: Orphanet 320385, MedGen C5190860, MONDO:0014016, OMIM 615031.

Allele frequency attached by ClinVar (database versions not stated): ESP Exome Variant Server 0.00009; ExAC below 0.00001; TOPMed below 0.00001; gnomAD exomes 0.00005.
gnomAD v4.1: 61 of 1,560,244 alleles (0.0039%); highest among the groups gnomAD compares: Non-Finnish European, 0.0053%; no homozygotes.

Submission:

Labcorp Genetics (formerly Invitae), Labcorp
Classification: Uncertain significance for Hereditary spastic paraplegia 49. Last evaluated: 2022-06-20. Review status: criteria provided, single submitter. Criteria: Invitae Variant Classification Sherloc (09022015). Collection method: clinical testing. Allele origin: germline.
Comment: This sequence change replaces threonine, which is neutral and polar, with isoleucine, which is neutral and non-polar, at codon 472 of the TECPR2 protein (p.Thr472Ile). This variant is not present in population databases (gnomAD no frequency). This variant has not been reported in the literature in individuals affected with TECPR2-related conditions. ClinVar contains an entry for this variant (Variation ID: 408915). Algorithms developed to predict the effect of missense changes on protein structure and function (SIFT, PolyPhen-2, Align-GVGD) all suggest that this variant is likely to be tolerated. Algorithms developed to predict the effect of sequence changes on RNA splicing suggest that this variant may disrupt the consensus splice site. In summary, the available evidence is currently insufficient to determine the role of this variant in disease. Therefore, it has been classified as a Variant of Uncertain Significance.

NM_014844.5(TECPR2):c.1415C>T (p.Thr472Ile)

Gene: TECPR2 (tectonin beta-propeller repeat containing 2; plus strand). Cytogenetic location: 14q32.31.
Variant type: single nucleotide variant.
Coding change: c.1415C>T on transcript NM_014844.5 (MANE Select); coding-DNA position 1415, C replaced by T.
Protein change: p.Thr472Ile; replaces threonine 472 with isoleucine.
Molecular consequence: missense variant.
Genome position (GRCh38, 1-based): chr14:102,432,126, C>T. VCF-style: chr14-102432126-C-T. GRCh37 (hg19) VCF-style: chr14-102898463-C-T.
Other names: c.1415C>T, p.Thr472Ile (NM_001172631.3); short protein forms T472I.
Identifiers: ClinVar variation 408915 (VCV000408915.2), dbSNP rs370462085, ClinGen allele CA7357711.